The following is an entry in ClinVar:

NM_000093.5(COL5A1):c.4230+13G>A

Gene: COL5A1 (collagen type V alpha 1 chain; plus strand). Cytogenetic location: 9q34.3.
Variant type: single nucleotide variant.
Coding change: c.4230+13G>A on transcript NM_000093.5 (MANE Select); 13 bases into the intron after coding-DNA position 4230, G replaced by A.
Molecular consequence: intron variant.
Genome position (GRCh38, 1-based): chr9:134,817,844, G>A. VCF-style: chr9-134817844-G-A. GRCh37 (hg19) VCF-style: chr9-137709690-G-A.
Other names: c.4230+13G>A (NM_001278074.1).
Identifiers: ClinVar variation 2414236 (VCV002414236.5), dbSNP rs780688981, ClinGen allele CA5320197.

ClinVar aggregate classification (germline): Likely benign. Review status: criteria provided, multiple submitters, no conflicts (2 of 4 stars). 2 submissions from 2 submitters: Likely benign (2). Last evaluated 2026-02-27.

Conditions:
Ehlers-Danlos syndrome, classic type, 1 (EDSCL1). Also called: EDS I; EHLERS-DANLOS SYNDROME, GRAVIS TYPE; EHLERS-DANLOS SYNDROME, SEVERE CLASSIC TYPE; Ehlers-Danlos syndrome, type 1; Ehlers-Danlos Syndrome, Classic Type, COL5A1-Related. Identifiers: MedGen C0268335, MONDO:0019567, OMIM 130000.

Allele frequency attached by ClinVar (database versions not stated): gnomAD exomes 0.00001; TOPMed 0.00002; gnomAD 0.00001; ExAC 0.00002.
gnomAD v4.1: 16 of 1,597,778 alleles (0.001%); highest among the groups gnomAD compares: Middle Eastern, 0.049%; no homozygotes.

Submissions (2):

Women's Health and Genetics/Laboratory Corporation of America, LabCorp
Classification: Likely benign. Last evaluated: 2026-02-27. Review status: criteria provided, single submitter. Criteria: LabCorp Variant Classification Summary - May 2015. Collection method: clinical testing. Allele origin: germline.
Comment: Variant summary: COL5A1 c.4230+13G>A alters a nucleotide located at a position not widely known to affect splicing. Consensus agreement among computation tools predict no significant impact on normal splicing. However, these predictions have yet to be confirmed by functional studies. The variant allele was found at a frequency of 3.7e-05 in 215818 control chromosomes. The available data on variant occurrences in the general population are insufficient to allow any conclusion about variant significance. To our knowledge, no occurrence of c.4230+13G>A in individuals affected with COL5A1-related conditions and no experimental evidence demonstrating its impact on protein function have been reported. ClinVar contains an entry for this variant (Variation ID: 2414236). Based on the evidence outlined above, the variant was classified as likely benign.

Labcorp Genetics (formerly Invitae), Labcorp
Classification: Likely benign for Ehlers-Danlos syndrome, classic type, 1. Last evaluated: 2025-11-09. Review status: criteria provided, single submitter. Criteria: Invitae Variant Classification Sherloc (09022015). Collection method: clinical testing. Allele origin: germline.